The following is an entry in ClinVar:

NM_000128.4(F11):c.228T>A (p.Cys76Ter)

Gene: F11 (coagulation factor XI; plus strand). Cytogenetic location: 4q35.2.
Variant type: single nucleotide variant.
Coding change: c.228T>A on transcript NM_000128.4 (MANE Select); coding-DNA position 228, T replaced by A.
Protein change: p.Cys76Ter; replaces cysteine 76 with a stop codon.
Molecular consequence: nonsense.
Genome position (GRCh38, 1-based): chr4:186,273,080, T>A. VCF-style: chr4-186273080-T-A. GRCh37 (hg19) VCF-style: chr4-187194234-T-A.
Other names: c.228T>A, p.Cys76Ter (NM_001354804.2); short protein forms C76*.
Identifiers: ClinVar variation 1725040 (VCV001725040.2), dbSNP rs2477228328, ClinGen allele CA358958165.

ClinVar aggregate classification (germline): Likely pathogenic (1 of 4 stars; one submission).

Conditions:
Hereditary factor XI deficiency disease. Also called: Congenital factor XI deficiency; PLASMA THROMBOPLASTIN ANTECEDENT DEFICIENCY; PTA DEFICIENCY; ROSENTHAL SYNDROME. Identifiers: Orphanet 329, MedGen C0015523, MeSH D005173, MONDO:0012897, OMIM 612416.

Submission:

Myriad Genetics, Inc.
Classification: Likely pathogenic for Hereditary factor XI deficiency disease. Last evaluated: 2022-03-05. Review status: criteria provided, single submitter. Criteria: Myriad Women's Health Autosomal Recessive and X-Linked Classification Criteria (2021). Collection method: clinical testing. Allele origin: unknown.
Comment: NM_000128.3(F11):c.228T>A(C76*) is expected to be pathogenic in the context of factor XI deficiency. This variant is predicted to lead to an abnormal or absent protein product due to the creation of a premature termination codon in F11, a gene where loss-of-function variants are known to be pathogenic. Please note: this variant was assessed in the context of healthy population screening.